The following is an entry in ClinVar:

ClinVar aggregate classification (germline): Likely pathogenic (1 of 4 stars; one submission).

Conditions:
Persistent Mullerian duct syndrome (PMDS). Also called: PERSISTENT MULLERIAN DUCT SYNDROME, TYPES I AND II; FEMALE GENITAL DUCTS IN OTHERWISE NORMAL MALE; HERNIA UTERI INGUINALE; PERSISTENT OVIDUCT SYNDROME; PSEUDOHERMAPHRODITISM, MALE INTERNAL. Identifiers: Orphanet 2856, MedGen C1849930, MONDO:0009857, OMIM 261550.

Submission:

Women's Health and Genetics/Laboratory Corporation of America, LabCorp
Classification: Likely pathogenic for Persistent Mullerian duct syndrome. Last evaluated: 2025-04-24. Review status: criteria provided, single submitter. Criteria: LabCorp Variant Classification Summary - May 2015. Collection method: clinical testing. Allele origin: germline.
Comment: Variant summary: AMH c.1430T>C (p.Val477Ala) results in a non-conservative amino acid change located in the TGF-beta family domain (IPR001839) of the encoded protein sequence. Three of five in-silico tools predict a damaging effect of the variant on protein function. The variant allele was found at a frequency of 4.2e-06 in 239920 control chromosomes. c.1430T>C has been observed in at-least one individual affected with Persistent Mullerian duct syndrome (Belville_2004, Imbeaud_1994). These data indicate that the variant may be associated with disease. At least one publication reports experimental evidence evaluating an impact on protein function. The most pronounced variant effect results in compromised secretion in COS cells (Belville_2004). The following publications have been ascertained in the context of this evaluation (PMID: 14673134, 8162013). No submitters have cited clinical-significance assessments for this variant to ClinVar. Based on the evidence outlined above, the variant was classified as likely pathogenic.

Literature cited by the submitters: PubMed 8162013; PubMed 14673134.

NM_000479.5(AMH):c.1430T>C (p.Val477Ala)

Gene: AMH (anti-Mullerian hormone; plus strand). Cytogenetic location: 19p13.3.
Variant type: single nucleotide variant.
Coding change: c.1430T>C on transcript NM_000479.5 (MANE Select); coding-DNA position 1430, T replaced by C.
Protein change: p.Val477Ala; replaces valine 477 with alanine.
Molecular consequence: missense variant.
Genome position (GRCh38, 1-based): chr19:2,251,704, T>C. VCF-style: chr19-2251704-T-C. GRCh37 (hg19) VCF-style: chr19-2251703-T-C.
Other names: short protein forms V477A.
Identifiers: ClinVar variation 3896650 (VCV003896650.2).